The following is an entry in ClinVar:

NM_024757.5(EHMT1):c.77T>C (p.Leu26Pro)

Gene: EHMT1 (euchromatic histone lysine methyltransferase 1; plus strand). Cytogenetic location: 9q34.3.
Variant type: single nucleotide variant.
Coding change: c.77T>C on transcript NM_024757.5 (MANE Select); coding-DNA position 77, T replaced by C.
Protein change: p.Leu26Pro; replaces leucine 26 with proline.
Molecular consequence: missense variant. On other transcripts: intron variant (2).
Genome position (GRCh38, 1-based): chr9:137,711,022, T>C. VCF-style: chr9-137711022-T-C. GRCh37 (hg19) VCF-style: chr9-140605474-T-C.
Other names: c.77T>C, p.Leu26Pro (NM_001145527.2, NM_001354263.2, NM_001354611.2); c.-8-5604T>C (NM_001354259.2, NM_001354612.2); short protein forms L26P.
Identifiers: ClinVar variation 1466648 (VCV001466648.8), dbSNP rs2135389182, ClinGen allele CA375759729.

ClinVar aggregate classification (germline): Uncertain significance (1 of 4 stars; one submission).

Conditions:
Kleefstra syndrome 1 (KLEFS1). Identifiers: Orphanet 261494, MedGen C0795833, MONDO:0027407, OMIM 610253.

Submission:

Labcorp Genetics (formerly Invitae), Labcorp
Classification: Uncertain significance for Kleefstra syndrome 1. Last evaluated: 2020-11-21. Review status: criteria provided, single submitter. Criteria: Invitae Variant Classification Sherloc (09022015). Collection method: clinical testing. Allele origin: germline.
Comment: This sequence change replaces leucine with proline at codon 26 of the EHMT1 protein (p.Leu26Pro). The leucine residue is weakly conserved and there is a moderate physicochemical difference between leucine and proline. This variant is not present in population databases (ExAC no frequency). This variant has not been reported in the literature in individuals with EHMT1-related conditions. Algorithms developed to predict the effect of missense changes on protein structure and function output the following: SIFT: "Deleterious"; PolyPhen-2: "Benign"; Align-GVGD: "Class C0". The proline amino acid residue is found in multiple mammalian species, suggesting that this missense change does not adversely affect protein function. These predictions have not been confirmed by published functional studies and their clinical significance is uncertain. In summary, the available evidence is currently insufficient to determine the role of this variant in disease. Therefore, it has been classified as a Variant of Uncertain Significance.